The following is an entry in ClinVar:

NM_001927.4(DES):c.269A>T (p.Asp90Val)

Gene: DES (desmin; plus strand). Cytogenetic location: 2q35.
Variant type: single nucleotide variant.
Coding change: c.269A>T on transcript NM_001927.4 (MANE Select); coding-DNA position 269, A replaced by T.
Protein change: p.Asp90Val; replaces aspartic acid 90 with valine.
Molecular consequence: missense variant.
Genome position (GRCh38, 1-based): chr2:219,418,731, A>T. VCF-style: chr2-219418731-A-T. GRCh37 (hg19) VCF-style: chr2-220283453-A-T.
Other names: c.269A>T, p.Asp90Val (NM_001382708.1, NM_001382709.1, NM_001382710.1 and 3 more transcripts); short protein forms D90V.
Identifiers: ClinVar variation 1038804 (VCV001038804.9), dbSNP rs1954369708, ClinGen allele CA350684720.

ClinVar aggregate classification (germline): Uncertain significance (1 of 4 stars; one submission).

Conditions:
Desmin-related myofibrillar myopathy (MFM1). Also called: Myofibrillar myopathy 1; Desminopathy; Desmin related myopathy (former name); Desmin storage myopathy (former name); MYOFIBRILLAR MYOPATHY WITH ARRHYTHMOGENIC RIGHT VENTRICULAR CARDIOMYOPATHY; DESMIN-RELATED MYOPATHY WITH ARRHYTHMOGENIC RIGHT VENTRICULAR CARDIOMYOPATHY. Identifiers: Orphanet 363543, Orphanet 98909, MedGen C1832370, MONDO:0011076, OMIM 601419.

Submission:

Labcorp Genetics (formerly Invitae), Labcorp
Classification: Uncertain significance for Desmin-related myofibrillar myopathy. Last evaluated: 2020-10-20. Review status: criteria provided, single submitter. Criteria: Invitae Variant Classification Sherloc (09022015). Collection method: clinical testing. Allele origin: germline.
Comment: In summary, the available evidence is currently insufficient to determine the role of this variant in disease. Therefore, it has been classified as a Variant of Uncertain Significance. Algorithms developed to predict the effect of missense changes on protein structure and function are either unavailable or do not agree on the potential impact of this missense change (SIFT: "Deleterious"; PolyPhen-2: "Probably Damaging"; Align-GVGD: "Class C0"). This variant has not been reported in the literature in individuals with DES-related conditions. This variant is not present in population databases (ExAC no frequency). This sequence change replaces aspartic acid with valine at codon 90 of the DES protein (p.Asp90Val). The aspartic acid residue is highly conserved and there is a large physicochemical difference between aspartic acid and valine.